The following is an entry in ClinVar:

ClinVar aggregate classification (germline): Uncertain significance (1 of 4 stars; one submission).

Submission:

Labcorp Genetics (formerly Invitae), Labcorp
Classification: Uncertain significance. Last evaluated: 2024-10-28. Review status: criteria provided, single submitter. Criteria: Invitae Variant Classification Sherloc (09022015). Collection method: clinical testing. Allele origin: germline.
Comment: This sequence change replaces leucine, which is neutral and non-polar, with isoleucine, which is neutral and non-polar, at codon 370 of the ATRN protein (p.Leu370Ile). This variant is not present in population databases (gnomAD no frequency). This variant has not been reported in the literature in individuals affected with ATRN-related conditions. ClinVar contains an entry for this variant (Variation ID: 1383695). An algorithm developed to predict the effect of missense changes on protein structure and function (PolyPhen-2) suggests that this variant is likely to be tolerated. In summary, the available evidence is currently insufficient to determine the role of this variant in disease. Therefore, it has been classified as a Variant of Uncertain Significance.

NM_139321.3(ATRN):c.1108C>A (p.Leu370Ile)

Gene: ATRN (attractin; plus strand). Cytogenetic location: 20p13.
Variant type: single nucleotide variant.
Coding change: c.1108C>A on transcript NM_139321.3 (MANE Select); coding-DNA position 1108, C replaced by A.
Protein change: p.Leu370Ile; replaces leucine 370 with isoleucine.
Molecular consequence: missense variant.
Genome position (GRCh38, 1-based): chr20:3,549,334, C>A. VCF-style: chr20-3549334-C-A. GRCh37 (hg19) VCF-style: chr20-3529981-C-A.
Other names: c.760C>A, p.Leu254Ile (NM_001207047.3); c.1108C>A, p.Leu370Ile (NM_001323332.2, NM_139322.4); short protein forms L254I, L370I.
Identifiers: ClinVar variation 1383695 (VCV001383695.6), dbSNP rs751796320, ClinGen allele CA408253886.